The following is an entry in ClinVar:

NM_032043.3(BRIP1):c.2100A>G (p.Leu700=)

Gene: BRIP1 (BRCA1 interacting DNA helicase 1; minus strand). Cytogenetic location: 17q23.2.
Variant type: single nucleotide variant.
Coding change: c.2100A>G on transcript NM_032043.3 (MANE Select); coding-DNA position 2100, A replaced by G.
Protein change: p.Leu700=; no amino-acid change (leucine 700 retained).
Molecular consequence: synonymous variant.
Genome position (GRCh38, 1-based): chr17:61,744,589, T>C on the plus strand (A>G on the coding strand, the complement: BRIP1 is on the minus strand). VCF-style: chr17-61744589-T-C. GRCh37 (hg19) VCF-style: chr17-59821950-T-C.
Identifiers: ClinVar variation 184964 (VCV000184964.28), dbSNP rs766047812, ClinGen allele CA190604.

ClinVar aggregate classification (germline): Conflicting classifications of pathogenicity. Review status: criteria provided, conflicting classifications (1 of 4 stars). 10 submissions from 10 submitters: Uncertain significance (1); Benign (2); Likely benign (6). 1 of the submissions does not count toward it. Last evaluated 2026-06-08.

Conditions:
BRIP1-related disorder. Also called: BRIP1-related condition; BRIP1-related disorders. Identifiers: MedGen CN239206.
Hereditary cancer-predisposing syndrome. Also called: Neoplastic Syndromes, Hereditary; Tumor predisposition; Hereditary neoplastic syndrome; Hereditary Cancer Syndrome. Identifiers: Orphanet 140162, MedGen C0027672, MeSH D009386, MONDO:0015356.
Fanconi anemia complementation group J. Also called: BRIP1-Related Fanconi Anemia. Identifiers: Orphanet 84, MedGen C1836860, MONDO:0012187, OMIM 609054.
Familial cancer of breast. Also called: Hereditary breast cancer; hereditary breast carcinoma; BREAST CANCER, FAMILIAL. Identifiers: Orphanet 227535, MedGen C0346153, MONDO:0016419, OMIM 114480. Disease mechanism: loss of function.

Allele frequency attached by ClinVar (database versions not stated): ExAC 0.00002; gnomAD exomes below 0.00001 and 0.00001; TOPMed 0.00001; gnomAD 0.00003.
gnomAD v4.1: 11 of 1,612,700 alleles (0.00068%); highest among the groups gnomAD compares: Non-Finnish European, 0.00085%; no homozygotes.

Submissions (10):

Women's Health and Genetics/Laboratory Corporation of America, LabCorp
Classification: Likely benign. Last evaluated: 2026-06-08. Review status: criteria provided, single submitter. Criteria: LabCorp Variant Classification Summary - May 2015. Collection method: clinical testing. Allele origin: germline.
Comment: Variant summary: BRIP1 c.2100A>G (p.Leu700Leu) alters a conserved nucleotide located close to a canonical splice site and therefore could affect mRNA splicing, leading to a significantly altered protein sequence. Consensus agreement among computation tools predict no significant impact on normal splicing. However, these predictions have yet to be confirmed by functional studies. The variant allele was found at a frequency of 8e-06 in 250790 control chromosomes. The available data on variant occurrences in the general population are insufficient to allow any conclusion about variant significance. c.2100A>G has been observed in individual(s) affected with breast cancer (de Oliveira_2022). These report(s) do not provide unequivocal conclusions about association of the variant with disease. To our knowledge, no experimental evidence demonstrating an impact on protein function has been reported. The following publication has been ascertained in the context of this evaluation (PMID: 35534704). ClinVar contains an entry for this variant (Variation ID: 184964). Based on the evidence outlined above, the variant was classified as likely benign.

Labcorp Genetics (formerly Invitae), Labcorp
Classification: Likely benign for Familial cancer of breast; Fanconi anemia complementation group J. Last evaluated: 2026-01-05. Review status: criteria provided, single submitter. Criteria: Invitae Variant Classification Sherloc (09022015). Collection method: clinical testing. Allele origin: germline.

Quest Diagnostics Nichols Institute San Juan Capistrano
Classification: Likely benign. Last evaluated: 2025-02-04. Review status: criteria provided, single submitter. Criteria: Quest Diagnostics criteria. Collection method: clinical testing. Allele origin: unknown.

Myriad Genetics, Inc.
Classification: Benign for Familial cancer of breast. Last evaluated: 2024-09-03. Review status: criteria provided, single submitter. Criteria: Myriad Autosomal Dominant, Autosomal Recessive and X-Linked Classification Criteria (2023). Collection method: clinical testing. Allele origin: unknown.
Comment: This variant is considered benign. This variant is a silent/synonymous amino acid change and it is not expected to impact splicing.

Sema4
Classification: Uncertain significance for Hereditary cancer-predisposing syndrome. Last evaluated: 2021-09-24. Review status: criteria provided, single submitter. Criteria: Sema4 Curation Guidelines. Collection method: curation. Allele origin: germline.
Comment: The BRIP1 c.2100A>G (p.L700=) variant has not been reported in the literature to our knowledge. It was observed in 3/128744 chromosomes of the Non-Finnish European subpopulation in the large and broad cohorts of the Genome Aggregation Database (PMID: 32461654). The variant has been reported in ClinVar (Variation ID 184964). In silico tools suggest that the affected nucleotide is conserved and the variant does not have an impact on splicing, though these predictions have not been confirmed by functional studies. The evidence is insufficient to meet ACMG/AMP criteria for classifying the variant as benign or pathogenic. Thus, the clinical significance of this variant is currently uncertain.

Mendelics
Classification: Likely benign for Familial cancer of breast. Last evaluated: 2019-05-28. Review status: criteria provided, single submitter. Criteria: Mendelics Assertion Criteria 2017. Collection method: clinical testing. Allele origin: unknown.

Color Diagnostics, LLC DBA Color Health
Classification: Likely benign for Hereditary cancer-predisposing syndrome. Last evaluated: 2016-04-22. Review status: criteria provided, single submitter. Criteria: ACMG Guidelines, 2015. Collection method: clinical testing. Allele origin: germline.

GeneDx
Classification: Benign. Last evaluated: 2015-07-23. Review status: criteria provided, single submitter. Criteria: GeneDx Variant Classification Process June 2021. Collection method: clinical testing. Allele origin: germline. Affected: yes.

Ambry Genetics
Classification: Likely benign for Hereditary cancer-predisposing syndrome. Last evaluated: 2015-04-23. Review status: criteria provided, single submitter. Criteria: Ambry Variant Classification Scheme 2023. Collection method: clinical testing. Allele origin: germline.

PreventionGenetics, part of Exact Sciences
Classification: Likely benign for BRIP1-related condition. Last evaluated: 2020-10-23. Review status: no assertion criteria provided. Collection method: clinical testing. Allele origin: germline. Not counted in ClinVar's aggregate classification.
Comment: This variant is classified as likely benign based on ACMG/AMP sequence variant interpretation guidelines (Richards et al. 2015 PMID: 25741868, with internal and published modifications).

Literature cited by the submitters: PubMed 35534704 (cited by Women's Health and Genetics/Laboratory Corporation of America, LabCorp).